The following is an entry in ClinVar:

NM_017617.5(NOTCH1):c.1553C>G (p.Thr518Arg)

Gene: NOTCH1 (notch receptor 1; minus strand). Cytogenetic location: 9q34.3.
Variant type: single nucleotide variant.
Coding change: c.1553C>G on transcript NM_017617.5 (MANE Select); coding-DNA position 1553, C replaced by G.
Protein change: p.Thr518Arg; replaces threonine 518 with arginine.
Molecular consequence: missense variant.
Genome position (GRCh38, 1-based): chr9:136,517,274, G>C on the plus strand (C>G on the coding strand, the complement: NOTCH1 is on the minus strand). VCF-style: chr9-136517274-G-C. GRCh37 (hg19) VCF-style: chr9-139411726-G-C.
Other names: short protein forms T518R.
Identifiers: ClinVar variation 1775100 (VCV001775100.4), dbSNP rs377535397, ClinGen allele CA375562017.
Genomic context (GRCh38, chr9:136,517,274, plus strand): 5'-CCCCTCAGGAGGCCAGGGTGCAGACGACCCGGGGGCAGGGGGCGGGGGTGGCCCTCACCC[G>C]TGGGGCACTCGCACTGGAACTCATTGATCTTGTCCAGGCAGCGGCCATTGTGCAGGCAGG-3'
Protein context (NP_060087.3, residues 508-528): KINEFQCECP[Thr518Arg]GFTGHLCQYD

ClinVar aggregate classification (germline): Uncertain significance. Review status: criteria provided, multiple submitters, no conflicts (2 of 4 stars). 2 submissions from 2 submitters: Uncertain significance (2). Last evaluated 2019-08-26.

Conditions:
Aortic valve disease 1 (AOVD1). Identifiers: MedGen C3887892, MONDO:0024523, OMIM 109730.
Adams-Oliver syndrome 5 (AOS5). Identifiers: Orphanet 974, MedGen C4014970, MONDO:0014459, OMIM 616028.
Familial thoracic aortic aneurysm and aortic dissection (TAAD). Also called: Thoracic aortic aneurysms and dissections. Identifiers: Orphanet 91387, MedGen C4707243, MONDO:0019625.

Submissions (2):

Ambry Genetics
Classification: Uncertain significance for Familial thoracic aortic aneurysm and aortic dissection. Last evaluated: 2019-08-26. Review status: criteria provided, single submitter. Criteria: Ambry Variant Classification Scheme 2023. Collection method: clinical testing. Allele origin: germline.
Comment: The p.T518R variant (also known as c.1553C>G), located in coding exon 9 of the NOTCH1 gene, results from a C to G substitution at nucleotide position 1553. The threonine at codon 518 is replaced by arginine, an amino acid with similar properties. This amino acid position is well conserved in available vertebrate species. In addition, the in silico prediction for this alteration is inconclusive. Since supporting evidence is limited at this time, the clinical significance of this alteration remains unclear.

Juno Genomics, Hangzhou Juno Genomics, Inc
Classification: Uncertain significance for Adams-Oliver syndrome 5; Aortic valve disease 1. Review status: criteria provided, single submitter. Criteria: ACMG Guidelines, 2015. Collection method: clinical testing. Allele origin: germline.
Comment: Missense variant in a gene that has a low rate of benign missense variation.;Multiple lines of computational evidence support a deleterious effect on the gene or gene product.;Absent from controls (or at extremely low frequency if recessive) in Genome Aggregation Database.